The following is an entry in ClinVar:

NM_000834.5(GRIN2B):c.2599-19C>T

Gene: GRIN2B (glutamate ionotropic receptor NMDA type subunit 2B; minus strand). Cytogenetic location: 12p13.1.
Variant type: single nucleotide variant.
Coding change: c.2599-19C>T on transcript NM_000834.5 (MANE Select); 19 bases into the intron before coding-DNA position 2599, C replaced by T.
Molecular consequence: intron variant.
Genome position (GRCh38, 1-based): chr12:13,564,658, G>A on the plus strand (C>T on the coding strand, the complement: GRIN2B is on the minus strand). VCF-style: chr12-13564658-G-A. GRCh37 (hg19) VCF-style: chr12-13717592-G-A.
Other names: c.2599-19C>T (NM_001413992.1).
Identifiers: ClinVar variation 2922600 (VCV002922600.4), dbSNP rs3751258, ClinGen allele CA2017419078.

ClinVar aggregate classification (germline): Likely benign. Review status: criteria provided, multiple submitters, no conflicts (2 of 4 stars). 2 submissions from 2 submitters: Likely benign (2). Last evaluated 2024-01-29.

Conditions:
Intellectual developmental disorder, autosomal dominant 6, with or without seizures. Also called: GRIN2B-related developmental delay, intellectual disability and autism spectrum disorder; Intellectual disability, autosomal dominant 6. Identifiers: Orphanet 589547, MedGen C3151411, MONDO:0013509, OMIM 613970.
Developmental and epileptic encephalopathy, 27 (DEE27). Also called: Epileptic encephalopathy, early infantile, 27; GRIN2B-Related Neurodevelopmental Disorder. Identifiers: Orphanet 3451, MedGen C4015316, MONDO:0014505, OMIM 616139.

gnomAD v4.1: 2 of 1,610,126 alleles (0.00012%); highest among the groups gnomAD compares: South Asian, 0.0011%; no homozygotes.

Submissions (2):

Women's Health and Genetics/Laboratory Corporation of America, LabCorp
Classification: Likely benign. Last evaluated: 2024-01-29. Review status: criteria provided, single submitter. Criteria: LabCorp Variant Classification Summary - May 2015. Collection method: clinical testing. Allele origin: germline.
Comment: Variant summary: GRIN2B c.2599-19C>T alters a nucleotide located at a position not widely known to affect splicing. Consensus agreement among computation tools predict no significant impact on normal splicing. However, these predictions have yet to be confirmed by functional studies. The variant was absent in 247144 control chromosomes. The available data on variant occurrences in the general population are insufficient to allow any conclusion about variant significance. To our knowledge, no occurrence of c.2599-19C>T in individuals affected with Mental Retardation, Autosomal Dominant 6 and no experimental evidence demonstrating its impact on protein function have been reported. No submitters have cited clinical-significance assessments for this variant to ClinVar. Based on the evidence outlined above, the variant was classified as likely benign.

Labcorp Genetics (formerly Invitae), Labcorp
Classification: Likely benign for Developmental and epileptic encephalopathy, 27; Intellectual developmental disorder, autosomal dominant 6, with or without seizures. Last evaluated: 2023-05-20. Review status: criteria provided, single submitter. Criteria: Invitae Variant Classification Sherloc (09022015). Collection method: clinical testing. Allele origin: germline.